The following is an entry in ClinVar:

NM_153741.2(DPM3):c.129_130del (p.Tyr44fs)

Gene: DPM3 (dolichyl-phosphate mannosyltransferase subunit 3, regulatory; minus strand). Cytogenetic location: 1q22.
Variant type: Deletion.
Coding change: c.129_130del on transcript NM_153741.2 (MANE Select); coding-DNA positions 129 to 130, 2 bases deleted (CT; older notation c.129_130delCT).
Protein change: p.Tyr44fs; shifts the reading frame from tyrosine 44.
Molecular consequence: frameshift variant.
Genome position (GRCh38, 1-based): chr1:155,140,111-155,140,112, AG deleted on the plus strand (CT on the coding strand, the reverse complement: DPM3 is on the minus strand). VCF-style (leftmost placement, unchanged base first): chr1-155140110-TAG-T. GRCh37 (hg19) VCF-style: chr1-155112586-TAG-T.
Other names: c.219_220del, p.Tyr74fs (NM_018973.4); short protein forms Y44fs, Y74fs.
Identifiers: ClinVar variation 1060967 (VCV001060967.7), dbSNP rs1557794919, ClinGen allele CA526667498.

ClinVar aggregate classification (germline): Pathogenic (1 of 4 stars; one submission).

Conditions:
DPM3-congenital disorder of glycosylation (MDDGC15). Also called: DPM3-CDG; CDG Io; CDG1(DPM3); MUSCULAR DYSTROPHY-DYSTROGLYCANOPATHY (LIMB-GIRDLE), TYPE C, 15. Identifiers: Orphanet 263494, MedGen C2752007, MONDO:0013049, OMIM 612937.

Allele frequency attached by ClinVar (database versions not stated): gnomAD exomes below 0.00001; TOPMed below 0.00001; gnomAD 0.00001.

Submission:

Labcorp Genetics (formerly Invitae), Labcorp
Classification: Pathogenic for DPM3-congenital disorder of glycosylation. Last evaluated: 2022-10-28. Review status: criteria provided, single submitter. Criteria: Invitae Variant Classification Sherloc (09022015). Collection method: clinical testing. Allele origin: germline.
Comment: For these reasons, this variant has been classified as Pathogenic. This variant disrupts a region of the DPM3 protein in which other variant(s) (p.Leu85*) have been determined to be pathogenic (PMID: 19576565, 30931530, 31469168). This suggests that this is a clinically significant region of the protein, and that variants that disrupt it are likely to be disease-causing. ClinVar contains an entry for this variant (Variation ID: 1060967). This variant has not been reported in the literature in individuals affected with DPM3-related conditions. This variant is present in population databases (no rsID available, gnomAD 0.0009%). This sequence change creates a premature translational stop signal (p.Tyr44Leufs*22) in the DPM3 gene. While this is not anticipated to result in nonsense mediated decay, it is expected to disrupt the last 49 amino acid(s) of the DPM3 protein.

Literature cited by the submitters: PubMed 19576565; PubMed 30931530; PubMed 31469168.